The following is an entry in ClinVar:

ClinVar aggregate classification (germline): Pathogenic (1 of 4 stars; one submission).

Submission:

Labcorp Genetics (formerly Invitae), Labcorp
Classification: Pathogenic. Last evaluated: 2023-12-03. Review status: criteria provided, single submitter. Criteria: Invitae Variant Classification Sherloc (09022015). Collection method: clinical testing. Allele origin: germline.
Comment: This sequence change creates a premature translational stop signal (p.Ser849Cysfs*11) in the EIF2AK3 gene. It is expected to result in an absent or disrupted protein product. Loss-of-function variants in EIF2AK3 are known to be pathogenic (PMID: 11997520). This variant is not present in population databases (gnomAD no frequency). This variant has not been reported in the literature in individuals affected with EIF2AK3-related conditions. For these reasons, this variant has been classified as Pathogenic.

Literature cited by the submitters: PubMed 11997520.

NM_004836.7(EIF2AK3):c.2546_2558del (p.Ser849fs)

Genes: EIF2AK3 (eukaryotic translation initiation factor 2 alpha kinase 3; minus strand), EIF2AK3-AS1 (EIF2AK3 antisense RNA 1; plus strand). Cytogenetic location: 2p11.2.
Variant type: Deletion.
Coding change: c.2546_2558del on transcript NM_004836.7 (MANE Select); coding-DNA positions 2546 to 2558, 13 bases deleted (CTGAAGCTACATT).
Protein change: p.Ser849fs; shifts the reading frame from serine 849.
Molecular consequence: frameshift variant. On other transcripts: non-coding transcript variant (1).
Genome position (GRCh38, 1-based): chr2:88,574,925-88,574,937, AATGTAGCTTCAG deleted on the plus strand (CTGAAGCTACATT on the coding strand, the reverse complement: EIF2AK3 is on the minus strand); deleting any 13 consecutive bases within chr2:88,574,925-88,574,939 gives the same sequence; the c. name uses the placement nearest the transcript's 3' end. VCF-style (leftmost placement, unchanged base first): chr2-88574924-CAATGTAGCTTCAG-C. GRCh37 (hg19) VCF-style: chr2-88874442-CAATGTAGCTTCAG-C.
Other names: c.2093_2105del, p.Ser698fs (NM_001313915.2); short protein forms S698fs, S849fs.
Identifiers: ClinVar variation 2975201 (VCV002975201.3), dbSNP rs2529127466, ClinGen allele CA2577029572.